The following is an entry in ClinVar:

ClinVar aggregate classification (germline): Uncertain significance (1 of 4 stars; one submission).

Submission:

Labcorp Genetics (formerly Invitae), Labcorp
Classification: Uncertain significance. Last evaluated: 2024-04-25. Review status: criteria provided, single submitter. Criteria: Invitae Variant Classification Sherloc (09022015). Collection method: clinical testing. Allele origin: germline.
Comment: This sequence change replaces leucine, which is neutral and non-polar, with methionine, which is neutral and non-polar, at codon 1940 of the HMCN1 protein (p.Leu1940Met). This variant is not present in population databases (gnomAD no frequency). This variant has not been reported in the literature in individuals affected with HMCN1-related conditions. An algorithm developed to predict the effect of missense changes on protein structure and function (PolyPhen-2) suggests that this variant is likely to be disruptive. In summary, the available evidence is currently insufficient to determine the role of this variant in disease. Therefore, it has been classified as a Variant of Uncertain Significance.

NM_031935.3(HMCN1):c.5818C>A (p.Leu1940Met)

Gene: HMCN1 (hemicentin 1; plus strand). Cytogenetic location: 1q31.1.
Variant type: single nucleotide variant.
Coding change: c.5818C>A on transcript NM_031935.3 (MANE Select); coding-DNA position 5818, C replaced by A.
Protein change: p.Leu1940Met; replaces leucine 1940 with methionine.
Molecular consequence: missense variant.
Genome position (GRCh38, 1-based): chr1:186,038,002, C>A. VCF-style: chr1-186038002-C-A. GRCh37 (hg19) VCF-style: chr1-186007134-C-A.
Other names: short protein forms L1940M.
Identifiers: ClinVar variation 3651204 (VCV003651204.2).